The following is an entry in ClinVar:

NM_005458.8(GABBR2):c.1091T>G (p.Val364Gly)

Gene: GABBR2 (gamma-aminobutyric acid type B receptor subunit 2; minus strand). Cytogenetic location: 9q22.33.
Variant type: single nucleotide variant.
Coding change: c.1091T>G on transcript NM_005458.8 (MANE Select); coding-DNA position 1091, T replaced by G.
Protein change: p.Val364Gly; replaces valine 364 with glycine.
Molecular consequence: missense variant.
Genome position (GRCh38, 1-based): chr9:98,454,126, A>C on the plus strand (T>G on the coding strand, the complement: GABBR2 is on the minus strand). VCF-style: chr9-98454126-A-C. GRCh37 (hg19) VCF-style: chr9-101216408-A-C.
Other names: short protein forms V364G.
Identifiers: ClinVar variation 1378125 (VCV001378125.8), dbSNP rs2131603633, ClinGen allele CA374350603.
Genomic context (GRCh38, chr9:98,454,126, plus strand): 5'-CGCTGGTGCCGGCTGCTGGCATGCAGTGTCTCCATGGCCCTCTGCAGTGTCTTGGCGATG[A>C]CCCAGATGCCATCGTAGGCGTACCCGTGGAACTTGCTGGGCCCCACGCCTGACCGCTTGT-3'
Protein context (NP_005449.5, residues 354-374): FHGYAYDGIW[Val364Gly]IAKTLQRAME

ClinVar aggregate classification (germline): Uncertain significance (1 of 4 stars; one submission).

Conditions:
Epileptic encephalopathy. Identifiers: MedGen C0543888, HP:0200134.

Submission:

Labcorp Genetics (formerly Invitae), Labcorp
Classification: Uncertain significance for Epileptic encephalopathy. Last evaluated: 2022-07-05. Review status: criteria provided, single submitter. Criteria: Invitae Variant Classification Sherloc (09022015). Collection method: clinical testing. Allele origin: germline.
Comment: In summary, the available evidence is currently insufficient to determine the role of this variant in disease. Therefore, it has been classified as a Variant of Uncertain Significance. Algorithms developed to predict the effect of missense changes on protein structure and function are either unavailable or do not agree on the potential impact of this missense change (SIFT: "Deleterious"; PolyPhen-2: "Probably Damaging"; Align-GVGD: "Class C0"). ClinVar contains an entry for this variant (Variation ID: 1378125). This variant has not been reported in the literature in individuals affected with GABBR2-related conditions. This variant is not present in population databases (gnomAD no frequency). This sequence change replaces valine, which is neutral and non-polar, with glycine, which is neutral and non-polar, at codon 364 of the GABBR2 protein (p.Val364Gly).